The following is an entry in ClinVar:

NM_024675.4(PALB2):c.409G>A (p.Gly137Ser)

Gene: PALB2 (partner and localizer of BRCA2; minus strand). Cytogenetic location: 16p12.2.
Variant type: single nucleotide variant.
Coding change: c.409G>A on transcript NM_024675.4 (MANE Select); coding-DNA position 409, G replaced by A.
Protein change: p.Gly137Ser; replaces glycine 137 with serine.
Molecular consequence: missense variant.
Genome position (GRCh38, 1-based): chr16:23,636,137, C>T on the plus strand (G>A on the coding strand, the complement: PALB2 is on the minus strand). VCF-style: chr16-23636137-C-T. GRCh37 (hg19) VCF-style: chr16-23647458-C-T.
Other names: short protein forms G137S.
Identifiers: ClinVar variation 628639 (VCV000628639.13), dbSNP rs1397816581, ClinGen allele CA395137374.

ClinVar aggregate classification (germline): Uncertain significance. Review status: criteria provided, multiple submitters, no conflicts (2 of 4 stars). 3 submissions from 3 submitters: Uncertain significance (3). Last evaluated 2024-11-22.

Conditions:
Hereditary cancer-predisposing syndrome. Also called: Neoplastic Syndromes, Hereditary; Tumor predisposition; Hereditary neoplastic syndrome; Hereditary Cancer Syndrome. Identifiers: Orphanet 140162, MedGen C0027672, MeSH D009386, MONDO:0015356.
Familial cancer of breast. Also called: BREAST CANCER, FAMILIAL; Hereditary breast cancer; hereditary breast carcinoma. Identifiers: Orphanet 227535, MedGen C0346153, MONDO:0016419, OMIM 114480. Disease mechanism: loss of function.

Allele frequency attached by ClinVar (database versions not stated): TOPMed below 0.00001; gnomAD 0.00001.

Submissions (3):

Ambry Genetics
Classification: Uncertain significance for Hereditary cancer-predisposing syndrome. Last evaluated: 2024-11-22. Review status: criteria provided, single submitter. Criteria: Ambry Variant Classification Scheme 2023. Collection method: clinical testing. Allele origin: germline.
Comment: The p.G137S variant (also known as c.409G>A), located in coding exon 4 of the PALB2 gene, results from a G to A substitution at nucleotide position 409. The glycine at codon 137 is replaced by serine, an amino acid with similar properties. This amino acid position is conserved. In addition, this alteration is predicted to be tolerated by in silico analysis. Based on the available evidence, the clinical significance of this variant remains unclear.

Labcorp Genetics (formerly Invitae), Labcorp
Classification: Uncertain significance for Familial cancer of breast. Last evaluated: 2023-03-16. Review status: criteria provided, single submitter. Criteria: Invitae Variant Classification Sherloc (09022015). Collection method: clinical testing. Allele origin: germline.
Comment: This sequence change replaces glycine, which is neutral and non-polar, with serine, which is neutral and polar, at codon 137 of the PALB2 protein (p.Gly137Ser). In summary, the available evidence is currently insufficient to determine the role of this variant in disease. Therefore, it has been classified as a Variant of Uncertain Significance. Algorithms developed to predict the effect of missense changes on protein structure and function output the following: SIFT: "Not Available"; PolyPhen-2: "Benign"; Align-GVGD: "Not Available". The serine amino acid residue is found in multiple mammalian species, which suggests that this missense change does not adversely affect protein function. ClinVar contains an entry for this variant (Variation ID: 628639). This variant has not been reported in the literature in individuals affected with PALB2-related conditions. This variant is not present in population databases (gnomAD no frequency).

Color Diagnostics, LLC DBA Color Health
Classification: Uncertain significance for Hereditary cancer-predisposing syndrome. Last evaluated: 2022-06-07. Review status: criteria provided, single submitter. Criteria: ACMG Guidelines, 2015. Collection method: clinical testing. Allele origin: germline.
Comment: This missense variant replaces glycine with serine at codon 137 of the PALB2 protein. Computational prediction suggests that this variant may not impact protein structure and function (internally defined REVEL score threshold <= 0.5, PMID: 27666373). To our knowledge, functional studies have not been reported for this variant. This variant has not been reported in individuals affected with hereditary cancer in the literature. This variant has not been identified in the general population by the Genome Aggregation Database (gnomAD). The available evidence is insufficient to determine the role of this variant in disease conclusively. Therefore, this variant is classified as a Variant of Uncertain Significance.